The following is an entry in ClinVar:

NM_182920.2(ADAMTS9):c.5742A>G (p.Lys1914=)

Gene: ADAMTS9 (ADAM metallopeptidase with thrombospondin type 1 motif 9; minus strand). Cytogenetic location: 3p14.1.
Variant type: single nucleotide variant.
Coding change: c.5742A>G on transcript NM_182920.2 (MANE Select); coding-DNA position 5742, A replaced by G.
Protein change: p.Lys1914=; no amino-acid change (lysine 1914 retained).
Molecular consequence: synonymous variant.
Genome position (GRCh38, 1-based): chr3:64,522,237, T>C on the plus strand (A>G on the coding strand, the complement: ADAMTS9 is on the minus strand). VCF-style: chr3-64522237-T-C. GRCh37 (hg19) VCF-style: chr3-64507913-T-C.
Other names: c.5658A>G, p.Lys1886= (NM_001318781.2).
Identifiers: ClinVar variation 789164 (VCV000789164.12), dbSNP rs61754854, ClinGen allele CA2479993.

ClinVar aggregate classification (germline): Benign. Review status: criteria provided, multiple submitters, no conflicts (2 of 4 stars). 3 submissions from 3 submitters: Benign (2). 1 of the submissions does not count toward it. Last evaluated 2026-07-01.

Conditions:
ADAMTS9-related disorder. Also called: ADAMTS9-related condition.

Allele frequency attached by ClinVar (database versions not stated): 1000 Genomes Project 0.00180; 1000 Genomes Project 30x 0.00234; gnomAD 0.00546 and 0.00560; TOPMed 0.00560; gnomAD exomes 0.00596 and 0.00940; ExAC 0.00675; ESP Exome Variant Server 0.00738.

Submissions (13):

CeGaT Center for Human Genetics Tuebingen
Classification: Benign. Last evaluated: 2026-07-01. Review status: criteria provided, single submitter. Criteria: CeGaT Center For Human Genetics Tuebingen Variant Classification Criteria Version 2. Collection method: clinical testing. Allele origin: germline. Affected: yes. Observed: 1 variant allele.
Comment: ADAMTS9: BP4, BP7, BS1, BS2

Labcorp Genetics (formerly Invitae), Labcorp
Classification: Benign. Last evaluated: 2025-11-18. Review status: criteria provided, single submitter. Criteria: Invitae Variant Classification Sherloc (09022015). Collection method: clinical testing. Allele origin: germline.

PreventionGenetics, part of Exact Sciences
Classification: Benign for ADAMTS9-related condition. Last evaluated: 2019-05-28. Review status: no assertion criteria provided. Collection method: clinical testing. Allele origin: germline. Not counted in ClinVar's aggregate classification.
Comment: This variant is classified as benign based on ACMG/AMP sequence variant interpretation guidelines (Richards et al. 2015 PMID: 25741868, with internal and published modifications).

Dr. Peter K. Rogan Lab, Western University
No classification provided (evidence only). Condition: Clear cell carcinoma of kidney. Review status: no classification provided. Collection method: in vitro. Allele origin: not applicable. Functional consequence: retained intron. Not counted in ClinVar's aggregate classification.

Dr. Peter K. Rogan Lab, Western University
No classification provided (evidence only). Condition: Lung cancer. Review status: no classification provided. Collection method: in vitro. Allele origin: not applicable. Functional consequence: retained intron. Not counted in ClinVar's aggregate classification.

Dr. Peter K. Rogan Lab, Western University
No classification provided (evidence only). Condition: Lung cancer. Review status: no classification provided. Collection method: in vitro. Allele origin: not applicable. Functional consequence: retained intron. Not counted in ClinVar's aggregate classification.

Dr. Peter K. Rogan Lab, Western University
No classification provided (evidence only). Condition: Melanoma. Review status: no classification provided. Collection method: in vitro. Allele origin: not applicable. Functional consequence: retained intron. Not counted in ClinVar's aggregate classification.

Dr. Peter K. Rogan Lab, Western University
No classification provided (evidence only). Condition: Thyroid cancer, nonmedullary, 1. Review status: no classification provided. Collection method: in vitro. Allele origin: not applicable. Functional consequence: retained intron. Not counted in ClinVar's aggregate classification.

Dr. Peter K. Rogan Lab, Western University
No classification provided (evidence only). Condition: Uterine corpus endometrial carcinoma. Review status: no classification provided. Collection method: in vitro. Allele origin: not applicable. Functional consequence: retained intron. Not counted in ClinVar's aggregate classification.

Dr. Peter K. Rogan Lab, Western University
No classification provided (evidence only). Condition: Thymoma. Review status: no classification provided. Collection method: in vitro. Allele origin: not applicable. Functional consequence: retained intron. Not counted in ClinVar's aggregate classification.

Dr. Peter K. Rogan Lab, Western University
No classification provided (evidence only). Condition: Ovarian serous cystadenocarcinoma. Review status: no classification provided. Collection method: in vitro. Allele origin: not applicable. Functional consequence: retained intron. Not counted in ClinVar's aggregate classification.

Dr. Peter K. Rogan Lab, Western University
No classification provided (evidence only). Condition: Malignant tumor of esophagus. Review status: no classification provided. Collection method: in vitro. Allele origin: not applicable. Functional consequence: retained intron. Not counted in ClinVar's aggregate classification.

Dr. Peter K. Rogan Lab, Western University
No classification provided (evidence only). Condition: Malignant tumor of esophagus. Review status: no classification provided. Collection method: in vitro. Allele origin: not applicable. Functional consequence: retained intron. Not counted in ClinVar's aggregate classification.